The following is an entry in ClinVar:

ClinVar aggregate classification (germline): Uncertain significance (1 of 4 stars; one submission).

Conditions:
Autoimmune lymphoproliferative syndrome type 1. Also called: AUTOIMMUNE LYMPHOPROLIFERATIVE SYNDROME, TYPE I, AUTOSOMAL DOMINANT. Identifiers: Orphanet 3261, MedGen C2717884, MONDO:0011158, OMIM 601859.

Submission:

Labcorp Genetics (formerly Invitae), Labcorp
Classification: Uncertain significance for Autoimmune lymphoproliferative syndrome. Last evaluated: 2024-05-02. Review status: criteria provided, single submitter. Criteria: Invitae Variant Classification Sherloc (09022015). Collection method: clinical testing. Allele origin: germline.
Comment: This sequence change replaces proline, which is neutral and non-polar, with leucine, which is neutral and non-polar, at codon 53 of the FASLG protein (p.Pro53Leu). This variant is present in population databases (rs371045650, gnomAD 0.002%). This variant has not been reported in the literature in individuals affected with FASLG-related conditions. Algorithms developed to predict the effect of missense changes on protein structure and function output the following: SIFT: "Not Available"; PolyPhen-2: "Benign"; Align-GVGD: "Not Available". The leucine amino acid residue is found in multiple mammalian species, which suggests that this missense change does not adversely affect protein function. In summary, the available evidence is currently insufficient to determine the role of this variant in disease. Therefore, it has been classified as a Variant of Uncertain Significance.

NM_000639.3(FASLG):c.158C>T (p.Pro53Leu)

Gene: FASLG (Fas ligand; plus strand). Cytogenetic location: 1q24.3.
Variant type: single nucleotide variant.
Coding change: c.158C>T on transcript NM_000639.3 (MANE Select); coding-DNA position 158, C replaced by T.
Protein change: p.Pro53Leu; replaces proline 53 with leucine.
Molecular consequence: missense variant.
Genome position (GRCh38, 1-based): chr1:172,659,359, C>T. VCF-style: chr1-172659359-C-T. GRCh37 (hg19) VCF-style: chr1-172628499-C-T.
Other names: c.158C>T, p.Pro53Leu (NM_001302746.2); short protein forms P53L.
Identifiers: ClinVar variation 3627990 (VCV003627990.2).